The following is an entry in ClinVar:

NM_052947.4(ALPK2):c.5509G>A (p.Asp1837Asn)

Gene: ALPK2 (alpha kinase 2; minus strand). Cytogenetic location: 18q21.31.
Variant type: single nucleotide variant.
Coding change: c.5509G>A on transcript NM_052947.4 (MANE Select); coding-DNA position 5509, G replaced by A.
Protein change: p.Asp1837Asn; replaces aspartic acid 1837 with asparagine.
Molecular consequence: missense variant.
Genome position (GRCh38, 1-based): chr18:58,524,055, C>T on the plus strand (G>A on the coding strand, the complement: ALPK2 is on the minus strand). VCF-style: chr18-58524055-C-T. GRCh37 (hg19) VCF-style: chr18-56191287-C-T.
Other names: short protein forms D1837N.
Identifiers: ClinVar variation 1748014 (VCV001748014.2), dbSNP rs1256175626, ClinGen allele CA402551888.

ClinVar aggregate classification (germline): Uncertain significance (1 of 4 stars; one submission).

gnomAD v4.1: 8 of 1,612,966 alleles (0.0005%); highest among the groups gnomAD compares: East Asian, 0.018%; no homozygotes.

Submission:

Ambry Genetics
Classification: Uncertain significance. Last evaluated: 2022-07-23. Review status: criteria provided, single submitter. Criteria: Ambry Variant Classification Scheme 2023. Collection method: clinical testing. Allele origin: germline.
Comment: The p.D1837N variant (also known as c.5509G>A), located in coding exon 6 of the ALPK2 gene, results from a G to A substitution at nucleotide position 5509. The aspartic acid at codon 1837 is replaced by asparagine, an amino acid with highly similar properties. This amino acid position is conserved. In addition, this alteration is predicted to be tolerated by in silico analysis. Since supporting evidence is limited at this time, the clinical significance of this alteration remains unclear.